The following is an entry in ClinVar:

ClinVar aggregate classification (germline): Uncertain significance. Review status: criteria provided, single submitter (1 of 4 stars). 2 submissions from 1 submitter: Uncertain significance (1). 1 of the submissions does not count toward it. Last evaluated 2022-10-08.

Conditions:
Joubert syndrome. Also called: CEREBELLOPARENCHYMAL DISORDER IV; JOUBERT-BOLTSHAUSER SYNDROME; Familial aplasia of the vermis. Identifiers: Orphanet 475, MedGen C5979921, MONDO:0018772.
Meckel-Gruber syndrome. Also called: DYSENCEPHALIA SPLANCHNOCYSTICA; GRUBER SYNDROME; Dysencephalia splachnocystica. Identifiers: Orphanet 564, MedGen C0265215, MONDO:0018921.

Submissions (2):

Labcorp Genetics (formerly Invitae), Labcorp
Classification: Uncertain significance for Joubert syndrome; Meckel-Gruber syndrome. Last evaluated: 2022-10-08. Review status: criteria provided, single submitter. Criteria: Invitae Variant Classification Sherloc (09022015). Collection method: clinical testing. Allele origin: germline.
Comment: A copy number gain of the genomic region encompassing the full coding sequence of the TCTN2 gene has been identified. The boundaries of this event are unknown as they extend beyond the assayed region for this gene and therefore may encompass additional genes. As the precise location of this event is unknown, it may be in tandem or it may be located elsewhere in the genome. This variant has not been reported in the literature in individuals affected with TCTN2-related conditions. Experimental studies and prediction algorithms are not available or were not evaluated, and the functional significance of this variant is currently unknown. In summary, the available evidence is currently insufficient to determine the role of this variant in disease. Therefore, it has been classified as a Variant of Uncertain Significance.

Labcorp Genetics (formerly Invitae), Labcorp
Classification: Uncertain significance. Last evaluated: 2022-10-08. Review status: flagged submission. Criteria: Invitae Variant Classification Sherloc (09022015). Collection method: clinical testing. Allele origin: germline. Not counted in ClinVar's aggregate classification.
Comment: This variant results in a copy number gain of the genomic region encompassing exon(s) 1-4 of the EIF2B1 gene. This region includes the initiator codon of the gene. This copy number gain extends beyond the assayed region for this gene and therefore may encompass additional genes. As the precise location of this event is unknown, it may be in tandem or it may be located elsewhere in the genome. This variant has not been reported in the literature in individuals affected with EIF2B1-related conditions. In summary, the available evidence is currently insufficient to determine the role of this variant in disease. Therefore, it has been classified as a Variant of Uncertain Significance.
ClinVar note: Reason: This record appears to be redundant with a more recent record from the same submitter.
ClinVar note: Notes: SCV002250625 appears to be redundant with SCV002179130.

NC_000012.11:g.(?_124114696)_(124192260_?)dup

Genes: EIF2B1 (eukaryotic translation initiation factor 2B subunit alpha; minus strand), GTF2H3 (general transcription factor IIH subunit 3; plus strand), TCTN2 (tectonic family member 2; plus strand). Cytogenetic location: 12q24.31.
Variant type: Duplication.
Identifiers: ClinVar variation 1412475 (VCV001412475.6).